The following is an entry in ClinVar:

NM_000243.3(MEFV):c.1382G>A (p.Arg461Gln)

Gene: MEFV (MEFV innate immunity regulator, pyrin; minus strand). Cytogenetic location: 16p13.3.
Variant type: single nucleotide variant.
Coding change: c.1382G>A on transcript NM_000243.3 (MANE Select); coding-DNA position 1382, G replaced by A.
Protein change: p.Arg461Gln; replaces arginine 461 with glutamine.
Molecular consequence: missense variant.
Genome position (GRCh38, 1-based): chr16:3,247,221, C>T on the plus strand (G>A on the coding strand, the complement: MEFV is on the minus strand). VCF-style: chr16-3247221-C-T. GRCh37 (hg19) VCF-style: chr16-3297221-C-T.
Other names: c.749G>A, p.Arg250Gln (NM_001198536.2); short protein forms R461Q, R250Q.
Identifiers: ClinVar variation 234362 (VCV000234362.23), dbSNP rs145637617, ClinGen allele CA7860140.

ClinVar aggregate classification (germline): Conflicting classifications of pathogenicity. Review status: criteria provided, conflicting classifications (1 of 4 stars). 6 submissions from 6 submitters: Uncertain significance (5); Likely benign (1). Last evaluated 2026-01-22.

Conditions:
MEFV-related disorder. Also called: MEFV-related disorders; MEFV-related condition.
Familial Mediterranean fever (FMF). Also called: POLYSEROSITIS, FAMILIAL PAROXYSMAL; POLYSEROSITIS, RECURRENT; Periodic peritonitis; Benign paroxysmal peritonitis. Identifiers: Orphanet 342, MedGen C0031069, MONDO:0018088, OMIM 249100. Disease mechanism: gain of function.

Allele frequency attached by ClinVar (database versions not stated): gnomAD 0.00068 and 0.00076; TOPMed 0.00068; ESP Exome Variant Server 0.00077; 1000 Genomes Project 30x 0.00125; 1000 Genomes Project 0.00140.
gnomAD v4.1: 227 of 1,614,126 alleles (0.014%); highest among the groups gnomAD compares: African/African-American, 0.26%; no homozygotes.

Submissions (6):

Labcorp Genetics (formerly Invitae), Labcorp
Classification: Likely benign for Familial Mediterranean fever. Last evaluated: 2026-01-22. Review status: criteria provided, single submitter. Criteria: Invitae Variant Classification Sherloc (09022015). Collection method: clinical testing. Allele origin: germline.

PreventionGenetics, part of Exact Sciences
Classification: Uncertain significance for MEFV-related condition. Last evaluated: 2025-10-13. Review status: criteria provided, single submitter. Criteria: ACMG Guidelines, 2015. Collection method: clinical testing. Allele origin: germline.
Comment: The MEFV c.1382G>A variant is predicted to result in the amino acid substitution p.Arg461Gln. This variant was studied in a comprehensive analysis of MEFV variants and was not found to cluster with known disease-causing variants (Moradian et al. 2017. PubMed ID: 29178647). This variant has been reported in an individual with familial Mediterranean fever (Balta et al 2020. PubMed ID: 31989427). However, no functional studies were included to further evaluate pathogenicity of this variant. This variant is reported in 0.29% of alleles in individuals of African descent in gnomAD. Although we suspect that this variant may be benign, at this time, the clinical significance of this variant is uncertain due to the absence of conclusive functional and genetic evidence.

Blueprint Genetics
Classification: Uncertain significance. Last evaluated: 2024-07-19. Review status: criteria provided, single submitter. Criteria: ACMG Guidelines, 2015. Collection method: clinical testing. Allele origin: germline.

ARUP Laboratories, Molecular Genetics and Genomics, ARUP Laboratories
Classification: Uncertain significance. Last evaluated: 2019-10-24. Review status: criteria provided, single submitter. Criteria: ARUP Molecular Germline Variant Investigation Process. Collection method: clinical testing. Allele origin: germline.
Comment: The MEFV c.1382G>A; p.Arg461Gln variant (rs145637617), to our knowledge, is not reported in the medical literature but is reported in ClinVar (Variation ID: 234362). This variant is found in the general population with an overall allele frequency of 0.028 % (82 / 282,866 alleles) in the Genome Aggregation Database. The arginine at codon 461 is highly conserved, but computational analyses (SIFT, PolyPhen-2) predict that this variant is tolerated. Due to limited information, the clinical significance of the p.Arg461Gln variant is uncertain at this time.

GeneDx
Classification: Uncertain significance. Last evaluated: 2018-02-20. Review status: criteria provided, single submitter. Criteria: GeneDx Variant Classification (06012015). Collection method: clinical testing. Allele origin: germline. Affected: yes.
Comment: The R461Q missense substitution in the MEFV gene has also neither been published as a pathogenic variant, nor reported as a benign polymorphism, to our knowledge. R461Q represents a non-conservative amino acid substitution, as a positively-charged Arginine residue is replaced with a neutral, polar Glutamine residue. However, the position in the MEFV protein where this substitution occurs is not highly conserved among species. Therefore, based on the currently available information, it is unclear whether R461Q is a pathogenic variant or a rare benign variant.

Women's Health and Genetics/Laboratory Corporation of America, LabCorp
Classification: Uncertain significance. Last evaluated: 2017-05-12. Review status: criteria provided, single submitter. Criteria: LabCorp Variant Classification Summary - May 2015. Collection method: clinical testing. Allele origin: germline.
Comment: Variant summary: The MEFV c.1382G>A (p.Arg461Gln) variant involves the alteration of a non-conserved nucleotide. 4/4 in silico tools predict a benign outcome for this variant (SNPsandGO not captured due to low reliability index). This variant was found in 25/121320 control chromosomes at a frequency of 0.0002061, which does not exceed the estimated maximal expected allele frequency of a pathogenic MEFV variant (0.0216506). In addition, one clinical diagnostic laboratory classified this variant as uncertain significance. The variant of interest has not, to our knowledge, been reported in affected individuals via publications and/or reputable databases/clinical diagnostic laboratories; nor evaluated for functional impact by in vivo/vitro studies. Because of the absence of clinical information and the lack of functional studies, the variant is classified as a variant of uncertain significance (VUS) until additional information becomes available.

Literature cited by the submitters: PubMed 28421071 (cited by Women's Health and Genetics/Laboratory Corporation of America, LabCorp).